The following is an entry in ClinVar:

ClinVar aggregate classification (germline): Uncertain significance. Review status: criteria provided, multiple submitters, no conflicts (2 of 4 stars). 2 submissions from 2 submitters: Uncertain significance (2). Last evaluated 2025-12-17.

Conditions:
Brachyolmia-amelogenesis imperfecta syndrome. Also called: Tooth agenesis, selective, 6; Dental anomalies and short stature; PLATYSPONDYLY WITH AMELOGENESIS IMPERFECTA. Identifiers: Orphanet 2899, MedGen C1832594, MONDO:0011018, OMIM 601216. Disease mechanism: loss of function.
Inborn genetic diseases. Identifiers: MedGen C0950123, MeSH D030342.

Allele frequency attached by ClinVar (database versions not stated): gnomAD exomes below 0.00001; TOPMed 0.00001.
gnomAD v4.1: 1 of 1,545,648 alleles (0.000065%); highest among the groups gnomAD compares: Admixed American, 0.002%; no homozygotes.

Submissions (2):

Labcorp Genetics (formerly Invitae), Labcorp
Classification: Uncertain significance for Brachyolmia-amelogenesis imperfecta syndrome. Last evaluated: 2025-12-17. Review status: criteria provided, single submitter. Criteria: Invitae Variant Classification Sherloc (09022015). Collection method: clinical testing. Allele origin: germline.
Comment: This sequence change replaces arginine, which is basic and polar, with tryptophan, which is neutral and slightly polar, at codon 1231 of the LTBP3 protein (p.Arg1231Trp). The frequency data for this variant in the population databases is considered unreliable, as metrics indicate poor data quality at this position in the gnomAD database. This variant has not been reported in the literature in individuals affected with LTBP3-related conditions. ClinVar contains an entry for this variant (Variation ID: 1733969). An algorithm developed to predict the effect of missense changes on protein structure and function (PolyPhen-2) suggests that this variant is likely to be disruptive. In summary, the available evidence is currently insufficient to determine the role of this variant in disease. Therefore, it has been classified as a Variant of Uncertain Significance.

Ambry Genetics
Classification: Uncertain significance for Inborn genetic diseases. Last evaluated: 2022-08-30. Review status: criteria provided, single submitter. Criteria: Ambry Variant Classification Scheme 2023. Collection method: clinical testing. Allele origin: germline.
Comment: The p.R1231W variant (also known as c.3691C>T), located in coding exon 27 of the LTBP3 gene, results from a C to T substitution at nucleotide position 3691. The arginine at codon 1231 is replaced by tryptophan, an amino acid with dissimilar properties. This amino acid position is conserved. In addition, the in silico prediction for this alteration is inconclusive. Since supporting evidence is limited at this time, the clinical significance of this alteration remains unclear.

NM_001130144.3(LTBP3):c.3691C>T (p.Arg1231Trp)

Gene: LTBP3 (latent transforming growth factor beta binding protein 3; minus strand). Cytogenetic location: 11q13.1.
Variant type: single nucleotide variant.
Coding change: c.3691C>T on transcript NM_001130144.3 (MANE Select); coding-DNA position 3691, C replaced by T.
Protein change: p.Arg1231Trp; replaces arginine 1231 with tryptophan.
Molecular consequence: missense variant.
Genome position (GRCh38, 1-based): chr11:65,539,397, G>A on the plus strand (C>T on the coding strand, the complement: LTBP3 is on the minus strand). VCF-style: chr11-65539397-G-A. GRCh37 (hg19) VCF-style: chr11-65306868-G-A.
Other names: c.3199C>T, p.Arg1067Trp (NM_001164266.1); c.3550C>T, p.Arg1184Trp (NM_021070.4); short protein forms R1067W, R1184W, R1231W.
Identifiers: ClinVar variation 1733969 (VCV001733969.7), dbSNP rs1479000959, ClinGen allele CA381266297.